The following is an entry in ClinVar:

NM_003719.5(PDE8B):c.672G>A (p.Ala224=)

Gene: PDE8B (phosphodiesterase 8B; plus strand). Cytogenetic location: 5q13.3.
Variant type: single nucleotide variant.
Coding change: c.672G>A on transcript NM_003719.5 (MANE Select); coding-DNA position 672, G replaced by A.
Protein change: p.Ala224=; no amino-acid change (alanine 224 retained).
Molecular consequence: synonymous variant.
Genome position (GRCh38, 1-based): chr5:77,331,423, G>A. VCF-style: chr5-77331423-G-A. GRCh37 (hg19) VCF-style: chr5-76627248-G-A.
Other names: p.Ala224=; c.672G>A, p.Ala224= (NM_001029851.4, NM_001029852.4, NM_001029854.4 and 2 more transcripts); c.612G>A, p.Ala204= (NM_001029853.4); c.669G>A, p.Ala223= (NM_001349748.3, NM_001349751.3, NM_001376065.1); c.735G>A, p.Ala245= (NM_001349749.3); c.432G>A, p.Ala144= (NM_001349750.3); c.366G>A, p.Ala122= (NM_001349752.3, NM_001376071.1); c.300G>A, p.Ala100= (NM_001349753.2, NM_001376067.1, NM_001376068.1 and 1 more transcripts); and 4 more.
Identifiers: ClinVar variation 354154 (VCV000354154.40), dbSNP rs138641918, ClinGen allele CA3315015.
Genomic context (GRCh38, chr5:77,331,423, plus strand): 5'-TGTATCTGCTGAGTGACCACATTTTCTGCTTTGCTGCAGATCGGATGACCATGAAGAGGC[G>A]TCAGTCCTTCCTCTTCTCCACGCAGGCTTCAACAGGGTATGTACAAGATATCCAGCATCT-3'
Protein context (NP_003710.1, residues 214-234): VSRVSDDHEE[Ala224=]SVLPLLHAGF

ClinVar aggregate classification (germline): Benign/Likely benign. Review status: criteria provided, multiple submitters, no conflicts (2 of 4 stars). 6 submissions from 6 submitters: Benign (2); Likely benign (4). Last evaluated 2025-12-03.

Conditions:
Autosomal dominant striatal neurodegeneration type 1. Identifiers: Orphanet 228169, MedGen C4310808, MONDO:0012205, OMIM 609161.

Allele frequency attached by ClinVar (database versions not stated): 1000 Genomes Project 30x 0.00016; 1000 Genomes Project 0.00020; ExAC 0.00068; gnomAD exomes 0.00071 and 0.00103; gnomAD 0.00077 and 0.00078; TOPMed 0.00083; ESP Exome Variant Server 0.00092.
gnomAD v4.1: 1,612 of 1,613,806 alleles (0.1%); highest among the groups gnomAD compares: Middle Eastern, 0.21%; 4 homozygotes.

Submissions (6):

Labcorp Genetics (formerly Invitae), Labcorp
Classification: Likely benign. Last evaluated: 2025-12-03. Review status: criteria provided, single submitter. Criteria: Invitae Variant Classification Sherloc (09022015). Collection method: clinical testing. Allele origin: germline.

Blueprint Genetics
Classification: Likely benign. Last evaluated: 2024-11-07. Review status: criteria provided, single submitter. Criteria: ACMG Guidelines, 2015. Collection method: clinical testing. Allele origin: germline.

Mayo Clinic Laboratories, Mayo Clinic
Classification: Benign. Last evaluated: 2023-12-21. Review status: criteria provided, single submitter. Criteria: ACMG Guidelines, 2015. Collection method: clinical testing. Allele origin: germline. Observed: 3 variant alleles.
Comment: BS1, BS2, BP4, BP7

CeGaT Center for Human Genetics Tuebingen
Classification: Likely benign. Last evaluated: 2022-09-01. Review status: criteria provided, single submitter. Criteria: CeGaT Center For Human Genetics Tuebingen Variant Classification Criteria Version 2. Collection method: clinical testing. Allele origin: germline. Affected: yes. Observed: 2 variant alleles.
Comment: PDE8B: BP4, BP7

Illumina Laboratory Services, Illumina
Classification: Benign for Autosomal dominant striatal neurodegeneration type 1. Last evaluated: 2018-01-13. Review status: criteria provided, single submitter. Criteria: ICSL Variant Classification Criteria 13 December 2019. Collection method: clinical testing. Allele origin: germline.
Comment: This variant was observed in the ICSL laboratory as part of a predisposition screen in an ostensibly healthy population. It had not been previously curated by ICSL or reported in the Human Gene Mutation Database (HGMD: prior to June 1st, 2018), and was therefore a candidate for classification through an automated scoring system. Utilizing variant allele frequency, disease prevalence and penetrance estimates, and inheritance mode, an automated score was calculated to assess if this variant is too frequent to cause the disease. Based on the score and internal cut-off values, a variant classified as benign is not then subjected to further curation. The score for this variant resulted in a classification of benign for this disease.

Breakthrough Genomics
Classification: Likely benign. Review status: criteria provided, single submitter. Criteria: ACMG Guidelines, 2015. Collection method: not provided. Allele origin: germline. Inheritance: Autosomal dominant inheritance. Affected: yes.